The following is an entry in ClinVar:

NM_014254.3(RXYLT1):c.1033T>G (p.Cys345Gly)

Gene: RXYLT1 (ribitol xylosyltransferase 1; plus strand). Cytogenetic location: 12q14.2.
Variant type: single nucleotide variant.
Coding change: c.1033T>G on transcript NM_014254.3 (MANE Select); coding-DNA position 1033, T replaced by G.
Protein change: p.Cys345Gly; replaces cysteine 345 with glycine.
Molecular consequence: missense variant.
Genome position (GRCh38, 1-based): chr12:63,808,793, T>G. VCF-style: chr12-63808793-T-G. GRCh37 (hg19) VCF-style: chr12-64202573-T-G.
Other names: c.253T>G, p.Cys85Gly (NM_001278237.2); short protein forms C345G, C85G.
Identifiers: ClinVar variation 2003040 (VCV002003040.4), dbSNP rs1308369175, ClinGen allele CA385660034.

ClinVar aggregate classification (germline): Uncertain significance (1 of 4 stars; one submission).

Allele frequency attached by ClinVar (database versions not stated): gnomAD exomes below 0.00001.
gnomAD v4.1: 1 of 1,613,966 alleles (0.000062%); highest among the groups gnomAD compares: Non-Finnish European, 0.000085%; no homozygotes.

Submission:

Labcorp Genetics (formerly Invitae), Labcorp
Classification: Uncertain significance. Last evaluated: 2022-06-07. Review status: criteria provided, single submitter. Criteria: Invitae Variant Classification Sherloc (09022015). Collection method: clinical testing. Allele origin: germline.
Comment: In summary, the available evidence is currently insufficient to determine the role of this variant in disease. Therefore, it has been classified as a Variant of Uncertain Significance. Algorithms developed to predict the effect of missense changes on protein structure and function (SIFT, PolyPhen-2, Align-GVGD) all suggest that this variant is likely to be disruptive. This variant has not been reported in the literature in individuals affected with RXYLT1-related conditions. This variant is present in population databases (no rsID available, gnomAD 0.0009%). This sequence change replaces cysteine, which is neutral and slightly polar, with glycine, which is neutral and non-polar, at codon 345 of the RXYLT1 protein (p.Cys345Gly).